The following is an entry in ClinVar:

ClinVar aggregate classification (germline): Uncertain significance. Review status: criteria provided, multiple submitters, no conflicts (2 of 4 stars). 3 submissions from 3 submitters: Uncertain significance (3). Last evaluated 2024-11-27.

Conditions:
Autosomal recessive congenital ichthyosis 5 (ARCI5). Also called: Ichthyosis, nonlamellar and nonerythrodermic, congenital, autosomal recessive; ICHTHYOSIS CONGENITA III. Identifiers: Orphanet 313, MedGen C1858133, MONDO:0011485, OMIM 604777.

Allele frequency attached by ClinVar (database versions not stated): ExAC 0.00014; gnomAD 0.00019 and 0.00021; 1000 Genomes Project 0.00020; ESP Exome Variant Server 0.00023; gnomAD exomes 0.00023 and 0.00050; TOPMed 0.00023; 1000 Genomes Project 30x 0.00031.
gnomAD v4.1: 756 of 1,613,858 alleles (0.047%); highest among the groups gnomAD compares: Non-Finnish European, 0.06%; no homozygotes.

Submissions (3):

Blueprint Genetics
Classification: Uncertain significance. Last evaluated: 2024-11-27. Review status: criteria provided, single submitter. Criteria: ACMG Guidelines, 2015. Collection method: clinical testing. Allele origin: germline.

GeneDx
Classification: Uncertain significance. Last evaluated: 2020-03-16. Review status: criteria provided, single submitter. Criteria: GeneDx Variant Classification Process June 2021. Collection method: clinical testing. Allele origin: germline. Affected: yes.
Comment: Has not been previously published as pathogenic or benign to our knowledge; In silico analysis supports that this missense variant has a deleterious effect on protein structure/function

Illumina Laboratory Services, Illumina
Classification: Uncertain significance for Autosomal recessive congenital ichthyosis 5. Last evaluated: 2018-01-13. Review status: criteria provided, single submitter. Criteria: ICSL Variant Classification Criteria 13 December 2019. Collection method: clinical testing. Allele origin: germline.

NM_173483.4(CYP4F22):c.874G>A (p.Glu292Lys)

Gene: CYP4F22 (cytochrome P450 family 4 subfamily F member 22; plus strand). Cytogenetic location: 19p13.12.
Variant type: single nucleotide variant.
Coding change: c.874G>A on transcript NM_173483.4 (MANE Select); coding-DNA position 874, G replaced by A.
Protein change: p.Glu292Lys; replaces glutamic acid 292 with lysine.
Molecular consequence: missense variant.
Genome position (GRCh38, 1-based): chr19:15,540,652, G>A. VCF-style: chr19-15540652-G-A. GRCh37 (hg19) VCF-style: chr19-15651463-G-A.
Other names: short protein forms E292K.
Identifiers: ClinVar variation 328440 (VCV000328440.9), dbSNP rs139163760, ClinGen allele CA9269723.